The following is an entry in ClinVar:

ClinVar aggregate classification (germline): Likely benign (1 of 4 stars; one submission).

gnomAD v4.1: 4 of 1,614,158 alleles (0.00025%); highest among the groups gnomAD compares: South Asian, 0.0011%; no homozygotes.

Submission:

CeGaT Center for Human Genetics Tuebingen
Classification: Likely benign. Last evaluated: 2026-01-01. Review status: criteria provided, single submitter. Criteria: CeGaT Center For Human Genetics Tuebingen Variant Classification Criteria Version 2. Collection method: clinical testing. Allele origin: germline. Affected: yes. Observed: 1 variant allele.
Comment: TBR1: BP4, BP7

NM_006593.4(TBR1):c.378C>T (p.Tyr126=)

Gene: TBR1 (T-box brain transcription factor 1; plus strand). Cytogenetic location: 2q24.2.
Variant type: single nucleotide variant.
Coding change: c.378C>T on transcript NM_006593.4 (MANE Select); coding-DNA position 378, C replaced by T.
Protein change: p.Tyr126=; no amino-acid change (tyrosine 126 retained).
Molecular consequence: synonymous variant.
Genome position (GRCh38, 1-based): chr2:161,416,788, C>T. VCF-style: chr2-161416788-C-T. GRCh37 (hg19) VCF-style: chr2-162273299-C-T.
Identifiers: ClinVar variation 4821279 (VCV004821279.4).